The following is an entry in ClinVar:

NM_000138.5(FBN1):c.6127G>A (p.Gly2043Arg)

Gene: FBN1 (fibrillin 1; minus strand). Cytogenetic location: 15q21.1.
Variant type: single nucleotide variant.
Coding change: c.6127G>A on transcript NM_000138.5 (MANE Select); coding-DNA position 6127, G replaced by A.
Protein change: p.Gly2043Arg; replaces glycine 2043 with arginine.
Molecular consequence: missense variant.
Genome position (GRCh38, 1-based): chr15:48,441,757, C>T on the plus strand (G>A on the coding strand, the complement: FBN1 is on the minus strand). VCF-style: chr15-48441757-C-T. GRCh37 (hg19) VCF-style: chr15-48733954-C-T.
Other names: c.6127G>A, p.Gly2043Arg (NM_001406716.1); short protein forms G2043R.
Identifiers: ClinVar variation 5021589 (VCV005021589.1).

ClinVar aggregate classification (germline): Uncertain significance (1 of 4 stars; one submission).

Conditions:
Familial thoracic aortic aneurysm and aortic dissection (TAAD). Also called: Thoracic aortic aneurysms and dissections. Identifiers: Orphanet 91387, MedGen C4707243, MONDO:0019625.

Submission:

Ambry Genetics
Classification: Uncertain significance for Familial thoracic aortic aneurysm and aortic dissection. Last evaluated: 2026-07-21. Review status: criteria provided, single submitter. Criteria: Ambry Variant Classification Scheme 2023. Collection method: clinical testing. Allele origin: germline.
Comment: The p.G2043R variant (also known as c.6127G>A), located in coding exon 49 of the FBN1 gene, results from a G to A substitution at nucleotide position 6127. The glycine at codon 2043 is replaced by arginine, an amino acid with dissimilar properties. This amino acid position is conserved. In addition, this alteration is predicted to be deleterious by in silico analysis. Based on the available evidence, the clinical significance of this variant remains unclear.